The following is an entry in ClinVar:

NM_001366722.1(GRIP1):c.503-2del

Gene: GRIP1 (glutamate receptor interacting protein 1; minus strand). Cytogenetic location: 12q14.3.
Variant type: Deletion.
Coding change: c.503-2del on transcript NM_001366722.1 (MANE Select); the canonical splice acceptor site of the intron before coding-DNA position 503, one base deleted (A; older notation c.503-2delA).
Molecular consequence: splice acceptor variant.
Genome position (GRCh38, 1-based): chr12:66,517,978, T deleted on the plus strand (A on the coding strand, the reverse complement: GRIP1 is on the minus strand). VCF-style (leftmost placement, unchanged base first): chr12-66517977-CT-C. GRCh37 (hg19) VCF-style: chr12-66911757-CT-C.
Other names: c.506-2del (NM_001379351.1, NM_001379349.1); c.581-2del (NM_001379348.1, NM_001366723.1, NM_001379347.1 and 2 more transcripts); c.503-2del (NM_001178074.2, NM_021150.4, NM_001379346.1).
Identifiers: ClinVar variation 2768364 (VCV002768364.3), dbSNP rs2502070958, ClinGen allele CA2619715295.

ClinVar aggregate classification (germline): Likely pathogenic (1 of 4 stars; one submission).

Submission:

Labcorp Genetics (formerly Invitae), Labcorp
Classification: Likely pathogenic. Last evaluated: 2023-10-14. Review status: criteria provided, single submitter. Criteria: Invitae Variant Classification Sherloc (09022015). Collection method: clinical testing. Allele origin: germline.
Comment: This sequence change affects a splice site in intron 5 of the GRIP1 gene. It is expected to disrupt RNA splicing. Variants that disrupt the donor or acceptor splice site typically lead to a loss of protein function (PMID: 16199547), and loss-of-function variants in GRIP1 are known to be pathogenic (PMID: 22510445, 24357607). This variant is not present in population databases (gnomAD no frequency). This variant has not been reported in the literature in individuals affected with GRIP1-related conditions. Algorithms developed to predict the effect of sequence changes on RNA splicing suggest that this variant may disrupt the consensus splice site. In summary, the currently available evidence indicates that the variant is pathogenic, but additional data are needed to prove that conclusively. Therefore, this variant has been classified as Likely Pathogenic.

Literature cited by the submitters: PubMed 16199547; PubMed 22510445; PubMed 24357607.